The following is an entry in ClinVar:

NM_017534.6(MYH2):c.1587+5G>T

Genes: MYH2 (myosin heavy chain 2; minus strand), MYHAS (myosin heavy chain gene cluster antisense RNA; plus strand). Cytogenetic location: 17p13.1.
Variant type: single nucleotide variant.
Coding change: c.1587+5G>T on transcript NM_017534.6 (MANE Select); 5 bases into the intron after coding-DNA position 1587, G replaced by T.
Molecular consequence: intron variant.
Genome position (GRCh38, 1-based): chr17:10,537,660, C>A on the plus strand (G>T on the coding strand, the complement: MYH2 is on the minus strand). VCF-style: chr17-10537660-C-A. GRCh37 (hg19) VCF-style: chr17-10440977-C-A.
Other names: c.1587+5G>T (NM_001100112.2).
Identifiers: ClinVar variation 534345 (VCV000534345.14), dbSNP rs192223842, ClinGen allele CA8391342.
Genomic context (GRCh38, chr17:10,537,660, plus strand): 5'-TTAAAATAAAAAGCAGCGAATAATATAGTTGCCGCAAAATATGGTTTCAGAAATGCAAAA[C>A]CAACCTTCTCGATGAGCTCGATGCAGGCAGCCAGGTCCATCCCGAAGTCGATGAACGTCC-3'

ClinVar aggregate classification (germline): Uncertain significance (1 of 4 stars; one submission).

Conditions:
Myopathy, proximal, and ophthalmoplegia (CMYO6). Also called: MYOPATHY WITH CONGENITAL JOINT CONTRACTURES, OPHTHALMOPLEGIA, AND RIMMED VACUOLES; INCLUSION BODY MYOPATHY 3, AUTOSOMAL DOMINANT; CONGENITAL MYOPATHY 6 WITH OPHTHALMOPLEGIA. Identifiers: Orphanet 363677, Orphanet 79091, MedGen C1854106, MONDO:0011577, OMIM 605637.

Allele frequency attached by ClinVar (database versions not stated): gnomAD exomes 0.00005 and 0.00013; 1000 Genomes Project 30x 0.00016; ExAC 0.00019; 1000 Genomes Project 0.00020; TOPMed 0.00054; gnomAD 0.00056 and 0.00059; ESP Exome Variant Server 0.00062.
gnomAD v4.1: 158 of 1,614,064 alleles (0.0098%); highest among the groups gnomAD compares: African/African-American, 0.19%; no homozygotes.

Submission:

Labcorp Genetics (formerly Invitae), Labcorp
Classification: Uncertain significance for Myopathy, proximal, and ophthalmoplegia. Last evaluated: 2025-11-07. Review status: criteria provided, single submitter. Criteria: Invitae Variant Classification Sherloc (09022015). Collection method: clinical testing. Allele origin: germline.
Comment: This sequence change falls in intron 15 of the MYH2 gene. It does not directly change the encoded amino acid sequence of the MYH2 protein. It affects a nucleotide within the consensus splice site. This variant is present in population databases (rs192223842, gnomAD 0.2%). This variant has not been reported in the literature in individuals affected with MYH2-related conditions. ClinVar contains an entry for this variant (Variation ID: 534345). Variants that disrupt the consensus splice site are a relatively common cause of aberrant splicing (PMID: 17576681, 9536098). Algorithms developed to predict the effect of sequence changes on RNA splicing suggest that this variant is not likely to affect RNA splicing. In summary, the available evidence is currently insufficient to determine the role of this variant in disease. Therefore, it has been classified as a Variant of Uncertain Significance.

Literature cited by the submitters: PubMed 17576681; PubMed 9536098.